The following is an entry in ClinVar:

ClinVar aggregate classification (germline): Uncertain significance (1 of 4 stars; one submission).

Allele frequency attached by ClinVar (database versions not stated): gnomAD exomes below 0.00001; TOPMed below 0.00001.
gnomAD v4.1: 2 of 1,613,922 alleles (0.00012%); highest among the groups gnomAD compares: Non-Finnish European, 0.00017%; no homozygotes.

Submission:

Mayo Clinic Laboratories, Mayo Clinic
Classification: Uncertain significance. Last evaluated: 2023-03-02. Review status: criteria provided, single submitter. Criteria: ACMG Guidelines, 2015. Collection method: clinical testing. Allele origin: germline. Observed: 1 variant allele.
Comment: BP4, PM2_supporting

NM_139027.6(ADAMTS13):c.2016C>G (p.Asp672Glu)

Gene: ADAMTS13 (ADAM metallopeptidase with thrombospondin type 1 motif 13; plus strand). Cytogenetic location: 9q34.2.
Variant type: single nucleotide variant.
Coding change: c.2016C>G on transcript NM_139027.6 (MANE Select); coding-DNA position 2016, C replaced by G.
Protein change: p.Asp672Glu; replaces aspartic acid 672 with glutamic acid.
Molecular consequence: missense variant.
Genome position (GRCh38, 1-based): chr9:133,442,446, C>G. VCF-style: chr9-133442446-C-G. GRCh37 (hg19) VCF-style: chr9-136307567-C-G.
Other names: p.Asp672Glu; c.2016C>G, p.Asp672Glu (NM_139025.5); c.1923C>G, p.Asp641Glu (NM_139026.6); short protein forms D641E, D672E.
Identifiers: ClinVar variation 2683077 (VCV002683077.1), dbSNP rs1841741141, ClinGen allele CA375396632.
Genomic context (GRCh38, chr9:133,442,446, plus strand): 5'-TCTTTGTCTGCAGGTTTACAGGCGGTATGGCGAGGAGTATGGCAACCTCACCCGCCCAGA[C>G]ATCACCTTCACCTACTTCCAGCCTAAGCCACGGCAGGCCTGGGTGTGGGCCGCTGTGCGT-3'
Protein context (NP_620596.2, residues 662-682): GEEYGNLTRP[Asp672Glu]ITFTYFQPKP